The following is an entry in ClinVar:

ClinVar aggregate classification (germline): Pathogenic (1 of 4 stars; one submission).

Conditions:
Tuberous sclerosis 1 (TSC1). Identifiers: Orphanet 805, MedGen C1854465, MONDO:0008612, OMIM 191100.

Submission:

Labcorp Genetics (formerly Invitae), Labcorp
Classification: Pathogenic for Tuberous sclerosis 1. Last evaluated: 2022-07-26. Review status: criteria provided, single submitter. Criteria: Invitae Variant Classification Sherloc (09022015). Collection method: clinical testing. Allele origin: germline.
Comment: This variant is not present in population databases (gnomAD no frequency). This sequence change creates a premature translational stop signal (p.Arg424*) in the TSC1 gene. It is expected to result in an absent or disrupted protein product. Loss-of-function variants in TSC1 are known to be pathogenic (PMID: 10227394, 17304050). This variant has not been reported in the literature in individuals affected with TSC1-related conditions. For these reasons, this variant has been classified as Pathogenic. Algorithms developed to predict the effect of sequence changes on RNA splicing suggest that this variant may create or strengthen a splice site.

Literature cited by the submitters: PubMed 10227394; PubMed 17304050.

NM_000368.5(TSC1):c.1270A>T (p.Arg424Ter)

Gene: TSC1 (TSC complex subunit 1; minus strand). Cytogenetic location: 9q34.13.
Variant type: single nucleotide variant.
Coding change: c.1270A>T on transcript NM_000368.5 (MANE Select); coding-DNA position 1270, A replaced by T.
Protein change: p.Arg424Ter; replaces arginine 424 with a stop codon.
Molecular consequence: nonsense.
Genome position (GRCh38, 1-based): chr9:132,907,364, T>A on the plus strand (A>T on the coding strand, the complement: TSC1 is on the minus strand). VCF-style: chr9-132907364-T-A. GRCh37 (hg19) VCF-style: chr9-135782751-T-A.
Other names: c.1267A>T, p.Arg423Ter (NM_001406599.1, NM_001406600.1, NM_001406603.1 and 6 more transcripts); c.1270A>T, p.Arg424Ter (NM_001406601.1, NM_001406602.1, NM_001406605.1 and 7 more transcripts); c.907A>T, p.Arg303Ter (NM_001406618.1, NM_001406619.1, NM_001406624.1 and 5 more transcripts); c.904A>T, p.Arg302Ter (NM_001406620.1, NM_001406621.1, NM_001406622.1 and 2 more transcripts); c.319A>T, p.Arg107Ter (NM_001406626.1); c.316A>T, p.Arg106Ter (NM_001406627.1, NM_001406628.1); c.1117A>T, p.Arg373Ter (NM_001162427.2, NM_001406610.1); c.1114A>T, p.Arg372Ter (NM_001406611.1, NM_001406612.1, NM_001406613.1); and 1 more; short protein forms R106*, R107*, R372*, R303*, R73*, R302*, R423*, R373*.
Identifiers: ClinVar variation 2019801 (VCV002019801.4), dbSNP rs1845728736, ClinGen allele CA375366215.
Genomic context (GRCh38, chr9:132,907,364, plus strand): 5'-ATCCTCTGTCATTCAGAAGATGGTGTTGTCTGTGTAGACATGGTCTTGCAGAATCCATTC[T>A]CTCTTCCTGAAAAGATAAGTATCATTTATATCACAAGACGAAAAATGTTGCACATGTTCT-3'